The following is an entry in ClinVar:

ClinVar aggregate classification (germline): Uncertain significance. Review status: criteria provided, multiple submitters, no conflicts (2 of 4 stars). 2 submissions from 2 submitters: Uncertain significance (2). Last evaluated 2025-10-23.

Conditions:
Familial juvenile hyperuricemic nephropathy type 1 (ADTKD1). Also called: Autosomal Dominant Tubulointerstitial Kidney Disease – UMOD; UMOD-Associated Kidney Disease; Uromodulin-associated kidney disease; Glomerulocystic kidney disease with hyperuricemia and isosthenuria; Medullary cystic kidney disease 2. Identifiers: Orphanet 209886, Orphanet 34149, Orphanet 88950, MedGen C4551496, MONDO:0008073, OMIM 162000.

Allele frequency attached by ClinVar (database versions not stated): gnomAD exomes below 0.00001; gnomAD 0.00001; ExAC 0.00002; TOPMed 0.00003.
gnomAD v4.1: 7 of 1,593,022 alleles (0.00044%); highest among the groups gnomAD compares: African/African-American, 0.0094%; no homozygotes.

Submissions (2):

Labcorp Genetics (formerly Invitae), Labcorp
Classification: Uncertain significance. Last evaluated: 2025-10-23. Review status: criteria provided, single submitter. Criteria: Invitae Variant Classification Sherloc (09022015). Collection method: clinical testing. Allele origin: germline.
Comment: This sequence change replaces serine, which is neutral and polar, with threonine, which is neutral and polar, at codon 238 of the UMOD protein (p.Ser238Thr). This variant is present in population databases (rs765012957, gnomAD 0.02%). This missense change has been observed in individual(s) with UMOD-related conditions (PMID: 36938085). ClinVar contains an entry for this variant (Variation ID: 2908315). Invitae Evidence Modeling of protein sequence and biophysical properties (such as structural, functional, and spatial information, amino acid conservation, physicochemical variation, residue mobility, and thermodynamic stability) indicates that this missense variant is not expected to disrupt UMOD protein function with a negative predictive value of 80%. In summary, the available evidence is currently insufficient to determine the role of this variant in disease. Therefore, it has been classified as a Variant of Uncertain Significance.

Fulgent Genetics
Classification: Uncertain significance for Familial juvenile hyperuricemic nephropathy type 1. Last evaluated: 2024-05-10. Review status: criteria provided, single submitter. Criteria: ACMG Guidelines, 2015. Collection method: clinical testing. Allele origin: germline.

Literature cited by the submitters: PubMed 36938085 (cited by Labcorp Genetics (formerly Invitae), Labcorp).

NM_003361.4(UMOD):c.713G>C (p.Ser238Thr)

Gene: UMOD (uromodulin; minus strand). Cytogenetic location: 16p12.3.
Variant type: single nucleotide variant.
Coding change: c.713G>C on transcript NM_003361.4 (MANE Select); coding-DNA position 713, G replaced by C.
Protein change: p.Ser238Thr; replaces serine 238 with threonine.
Molecular consequence: missense variant. On other transcripts: non-coding transcript variant (1).
Genome position (GRCh38, 1-based): chr16:20,348,588, C>G on the plus strand (G>C on the coding strand, the complement: UMOD is on the minus strand). VCF-style: chr16-20348588-C-G. GRCh37 (hg19) VCF-style: chr16-20359910-C-G.
Other names: c.713G>C, p.Ser238Thr (NM_001008389.3, NM_001378232.1, NM_001378233.1 and 3 more transcripts); c.812G>C, p.Ser271Thr (NM_001278614.2); short protein forms S271T, S238T.
Identifiers: ClinVar variation 2908315 (VCV002908315.4), dbSNP rs765012957, ClinGen allele CA7939415.